The following is an entry in ClinVar:

ClinVar aggregate classification (germline): Uncertain significance (1 of 4 stars; one submission).

Submission:

CeGaT Center for Human Genetics Tuebingen
Classification: Uncertain significance. Last evaluated: 2024-08-01. Review status: criteria provided, single submitter. Criteria: CeGaT Center For Human Genetics Tuebingen Variant Classification Criteria Version 2. Collection method: clinical testing. Allele origin: germline. Affected: yes. Observed: 1 variant allele.
Comment: PITRM1: PM2, BP4

NM_014889.4(PITRM1):c.1841A>G (p.Tyr614Cys)

Gene: PITRM1 (pitrilysin metallopeptidase 1; minus strand). Cytogenetic location: 10p15.2.
Variant type: single nucleotide variant.
Coding change: c.1841A>G on transcript NM_014889.4 (MANE Select); coding-DNA position 1841, A replaced by G.
Protein change: p.Tyr614Cys; replaces tyrosine 614 with cysteine.
Molecular consequence: missense variant. On other transcripts: non-coding transcript variant (4).
Genome position (GRCh38, 1-based): chr10:3,149,651, T>C on the plus strand (A>G on the coding strand, the complement: PITRM1 is on the minus strand). VCF-style: chr10-3149651-T-C. GRCh37 (hg19) VCF-style: chr10-3191843-T-C.
Other names: c.1841A>G, p.Tyr614Cys (NM_001242307.2, NM_001347725.2); c.1745A>G, p.Tyr582Cys (NM_001242309.1); c.1226A>G, p.Tyr409Cys (NM_001347726.2, NM_001347727.2); c.536A>G, p.Tyr179Cys (NM_001347728.2); c.1817A>G, p.Tyr606Cys (NM_001347729.1, NM_001347730.1); short protein forms Y179C, Y409C, Y582C, Y606C, Y614C.
Identifiers: ClinVar variation 3342226 (VCV003342226.16).